The following is an entry in ClinVar:

NM_001723.7(DST):c.6419C>T (p.Ala2140Val)

Gene: DST (dystonin; minus strand). Cytogenetic location: 6p12.1.
Variant type: single nucleotide variant.
Coding change: c.6419C>T on transcript NM_001723.7 (MANE Plus Clinical); coding-DNA position 6419, C replaced by T.
Protein change: p.Ala2140Val; replaces alanine 2140 with valine.
Molecular consequence: missense variant. On other transcripts: intron variant (10).
Genome position (GRCh38, 1-based): chr6:56,617,048, G>A on the plus strand (C>T on the coding strand, the complement: DST is on the minus strand). VCF-style: chr6-56617048-G-A. GRCh37 (hg19) VCF-style: chr6-56481846-G-A.
Other names: c.4831-2564C>T (NM_001144769.5); c.4930-2564C>T (NM_001374722.1, NM_001374736.1); c.4957-2564C>T (NM_001374734.1); c.4417-2564C>T (NM_001144770.2); c.4297-2564C>T (NM_001374730.1, NM_001386100.1, NM_183380.4 and 1 more transcripts); c.3319-2564C>T (NM_015548.5); short protein forms A2140V.
Identifiers: ClinVar variation 665142 (VCV000665142.8), dbSNP rs780051172, ClinGen allele CA3870169.

ClinVar aggregate classification (germline): Uncertain significance (1 of 4 stars; one submission).

Conditions:
Epidermolysis bullosa simplex 3, localized or generalized intermediate, with BP230 deficiency (EBS3). Also called: Epidermolysis bullosa simplex due to BP230 deficiency; Epidermolysis bullosa simplex, autosomal recessive 2. Identifiers: Orphanet 412181, MedGen C3809470, MONDO:0014180, OMIM 615425.
Hereditary sensory and autonomic neuropathy type 6. Also called: HSAN VI; Neuropathy, hereditary sensory and autonomic, type VI. Identifiers: Orphanet 314381, MedGen C3539003, MONDO:0013839, OMIM 614653.

Allele frequency attached by ClinVar (database versions not stated): gnomAD exomes below 0.00001 and 0.00002; ExAC 0.00003; gnomAD 0.00003; TOPMed 0.00004.
gnomAD v4.1: 7 of 1,613,906 alleles (0.00043%); highest among the groups gnomAD compares: African/African-American, 0.0067%; no homozygotes.

Submission:

Labcorp Genetics (formerly Invitae), Labcorp
Classification: Uncertain significance for Epidermolysis bullosa simplex 3, localized or generalized intermediate, with BP230 deficiency; Hereditary sensory and autonomic neuropathy type 6. Last evaluated: 2021-08-26. Review status: criteria provided, single submitter. Criteria: Invitae Variant Classification Sherloc (09022015). Collection method: clinical testing. Allele origin: germline.
Comment: This sequence change replaces alanine with valine at codon 2140 of the DST protein (p.Ala2140Val). The alanine residue is weakly conserved and there is a small physicochemical difference between alanine and valine. This variant is present in population databases (rs780051172, ExAC 0.04%). This variant has not been reported in the literature in individuals affected with DST-related conditions. Algorithms developed to predict the effect of missense changes on protein structure and function are either unavailable or do not agree on the potential impact of this missense change (SIFT: "Tolerated"; PolyPhen-2: "Probably Damaging"; Align-GVGD: "Class C0"). In summary, the available evidence is currently insufficient to determine the role of this variant in disease. Therefore, it has been classified as a Variant of Uncertain Significance.